The following is an entry in ClinVar:

NM_000532.5(PCCB):c.764-1G>C

Gene: PCCB (propionyl-CoA carboxylase subunit beta; plus strand). Cytogenetic location: 3q22.3.
Variant type: single nucleotide variant.
Coding change: c.764-1G>C on transcript NM_000532.5 (MANE Select); the canonical splice acceptor site of the intron before coding-DNA position 764, G replaced by C.
Molecular consequence: splice acceptor variant.
Genome position (GRCh38, 1-based): chr3:136,297,951, G>C. VCF-style: chr3-136297951-G-C. GRCh37 (hg19) VCF-style: chr3-136016793-G-C.
Other names: c.824-1G>C (NM_001178014.2).
Identifiers: ClinVar variation 3588608 (VCV003588608.2).

ClinVar aggregate classification (germline): Likely pathogenic. Review status: criteria provided, multiple submitters, no conflicts (2 of 4 stars). 2 submissions from 2 submitters: Likely pathogenic (2). Last evaluated 2025-12-26.

Conditions:
Propionic acidemia (PROP). Also called: GLYCINEMIA, KETOTIC; HYPERGLYCINEMIA WITH KETOACIDOSIS AND LEUKOPENIA; KETOTIC HYPERGLYCINEMIA. Identifiers: Orphanet 35, MedGen C0268579, MONDO:0011628, OMIM 606054, HP:0003571.

Submissions (2):

Myriad Genetics, Inc.
Classification: Likely pathogenic for Propionic acidemia. Last evaluated: 2025-12-26. Review status: criteria provided, single submitter. Criteria: Myriad Autosomal Dominant, Autosomal Recessive and X-Linked Classification Criteria (2023). Collection method: clinical testing. Allele origin: unknown.
Comment: NM_000532.4(PCCB):c.764-1G>C is a variant in a canonical splice site classified as likely pathogenic in the context of PCCB-related propionic acidemia. c.764-1G>C has not been observed in cases with relevant disease. Relevant functional assessments of this variant are not available in the literature. c.764-1G>C has not been observed in referenced population frequency databases. In summary, NM_000532.4(PCCB):c.764-1G>C is a variant in a canonical splice site in a gene where loss of function is a known mechanism of disease and is predicted to disrupt protein function. Please note: this variant was assessed in the context of healthy population screening.

Fulgent Genetics
Classification: Likely pathogenic for Propionic acidemia. Last evaluated: 2024-03-06. Review status: criteria provided, single submitter. Criteria: ACMG Guidelines, 2015. Collection method: clinical testing. Allele origin: germline.